The following is an entry in ClinVar:

ClinVar aggregate classification (germline): Uncertain significance (1 of 4 stars; one submission).

Conditions:
Inborn genetic diseases. Identifiers: MedGen C0950123, MeSH D030342.

Allele frequency attached by ClinVar (database versions not stated): ExAC 0.00001; gnomAD exomes 0.00001.
gnomAD v4.1: 3 of 1,611,814 alleles (0.00019%); highest among the groups gnomAD compares: Non-Finnish European, 0.00025%; no homozygotes.

Submission:

Ambry Genetics
Classification: Uncertain significance for Inborn genetic diseases. Last evaluated: 2021-07-19. Review status: criteria provided, single submitter. Criteria: Ambry Variant Classification Scheme 2023. Collection method: clinical testing. Allele origin: germline.
Comment: The c.1921A>G (p.T641A) alteration is located in exon 17 (coding exon 15) of the KMT2E gene. This alteration results from an A to G substitution at nucleotide position 1921, causing the threonine (T) at amino acid position 641 to be replaced by an alanine (A). Based on data from the Genome Aggregation Database (gnomAD), the KMT2E c.1921A>G alteration was observed in <0.01% (1/248,402) of total alleles studied. This amino acid position is not well conserved in available vertebrate species. The p.T641A alteration is predicted to be tolerated by in silico analysis. Based on insufficient or conflicting evidence, the clinical significance of this alteration remains unclear.

NM_182931.3(KMT2E):c.1921A>G (p.Thr641Ala)

Gene: KMT2E (lysine methyltransferase 2E (inactive); plus strand). Cytogenetic location: 7q22.3.
Variant type: single nucleotide variant.
Coding change: c.1921A>G on transcript NM_182931.3 (MANE Select); coding-DNA position 1921, A replaced by G.
Protein change: p.Thr641Ala; replaces threonine 641 with alanine.
Molecular consequence: missense variant.
Genome position (GRCh38, 1-based): chr7:105,101,919, A>G. VCF-style: chr7-105101919-A-G. GRCh37 (hg19) VCF-style: chr7-104742366-A-G.
Other names: c.1921A>G, p.Thr641Ala (NM_001410908.1, NM_018682.4); short protein forms T641A.
Identifiers: ClinVar variation 2343505 (VCV002343505.2), dbSNP rs770912065, ClinGen allele CA4424124.